The following is an entry in ClinVar:

NM_006429.4(CCT7):c.1574C>T (p.Ser525Leu)

Gene: CCT7 (chaperonin containing TCP1 subunit 7; plus strand). Cytogenetic location: 2p13.2.
Variant type: single nucleotide variant.
Coding change: c.1574C>T on transcript NM_006429.4 (MANE Select); coding-DNA position 1574, C replaced by T.
Protein change: p.Ser525Leu; replaces serine 525 with leucine.
Molecular consequence: missense variant. On other transcripts: non-coding transcript variant (2).
Genome position (GRCh38, 1-based): chr2:73,252,803, C>T. VCF-style: chr2-73252803-C-T. GRCh37 (hg19) VCF-style: chr2-73479931-C-T.
Other names: c.962C>T, p.Ser321Leu (NM_001009570.3); c.1313C>T, p.Ser438Leu (NM_001166284.2); c.1442C>T, p.Ser481Leu (NM_001166285.2); short protein forms S438L, S525L, S481L, S321L.
Identifiers: ClinVar variation 65429 (VCV000065429.4), dbSNP rs587777929, ClinGen allele CA145494.

ClinVar aggregate classification (germline): Pathogenic (0 of 4 stars; one submission).

Conditions:
Myocardial infarction, susceptibility to, 1 (MCI1). Also called: Myocardial infarction 1. Identifiers: MedGen C1838021.

Allele frequency attached by ClinVar (database versions not stated): gnomAD exomes 0.00002 and 0.00001; TOPMed 0.00003; ExAC 0.00002; gnomAD 0.00004 and 0.00005.
gnomAD v4.1: 28 of 1,614,020 alleles (0.0017%); highest among the groups gnomAD compares: Non-Finnish European, 0.0024%; no homozygotes.

Submission:

Institut für Integrative und Experimentelle Genomik, Universität zu Lübeck
Classification: Pathogenic for Myocardial infarction 1. Last evaluated: 2013-09-15. Review status: no assertion criteria provided. Collection method: research. Allele origin: inherited. Affected: yes. Study: GERMIFS.
ClinVar note: Converted during submission from pathogenic to Pathogenic.

Literature cited by the submitters: PubMed 24213632.